The following is an entry in ClinVar:

NM_206933.4(USH2A):c.9691C>T (p.Gln3231Ter)

Gene: USH2A (usherin; minus strand). Cytogenetic location: 1q41.
Variant type: single nucleotide variant.
Coding change: c.9691C>T on transcript NM_206933.4 (MANE Select); coding-DNA position 9691, C replaced by T.
Protein change: p.Gln3231Ter; replaces glutamine 3231 with a stop codon.
Molecular consequence: nonsense.
Genome position (GRCh38, 1-based): chr1:215,813,784, G>A on the plus strand (C>T on the coding strand, the complement: USH2A is on the minus strand). VCF-style: chr1-215813784-G-A. GRCh37 (hg19) VCF-style: chr1-215987126-G-A.
Other names: c.9691C>T (NM_206933.3); short protein forms Q3231*.
Identifiers: ClinVar variation 866669 (VCV000866669.11), dbSNP rs1662771528, ClinGen allele CA344821678.

ClinVar aggregate classification (germline): Pathogenic/Likely pathogenic. Review status: criteria provided, multiple submitters, no conflicts (2 of 4 stars). 5 submissions from 5 submitters: Pathogenic (2); Likely pathogenic (3). Last evaluated 2025-06-09.

Conditions:
Usher syndrome. Also called: Usher's syndrome; Usher Syndromes. Identifiers: Orphanet 886, MedGen CN469326, MeSH D052245, MONDO:0019501. Disease mechanism: loss of function.
USH2A-related disorder. Also called: USH2A-related condition; USH2A-related disorders. Identifiers: MedGen CN239332.
Retinitis pigmentosa 39 (RP39). Identifiers: Orphanet 791, MedGen C3151138, MONDO:0013436, OMIM 613809.

Submissions (5):

Revvity Omics, Revvity
Classification: Likely pathogenic. Last evaluated: 2025-06-09. Review status: criteria provided, single submitter. Criteria: ACMG Guidelines, 2015. Collection method: clinical testing. Allele origin: germline.

Women's Health and Genetics/Laboratory Corporation of America, LabCorp
Classification: Pathogenic for Usher syndrome. Last evaluated: 2025-01-07. Review status: criteria provided, single submitter. Criteria: LabCorp Variant Classification Summary - May 2015. Collection method: clinical testing. Allele origin: germline.
Comment: Variant summary: USH2A c.9691C>T (p.Gln3231X) results in a premature termination codon, predicted to cause a truncation of the encoded protein or absence of the protein due to nonsense mediated decay, which are commonly known mechanisms for disease. The variant was absent in 251162 control chromosomes. To our knowledge, no occurrence of c.9691C>T in individuals affected with Usher Syndrome and no experimental evidence demonstrating its impact on protein function have been reported. ClinVar contains an entry for this variant (Variation ID: 866669). Based on the evidence outlined above, the variant was classified as pathogenic.

Genome-Nilou Lab
Classification: Likely pathogenic for Retinitis pigmentosa 39. Last evaluated: 2023-11-04. Review status: criteria provided, single submitter. Criteria: ACMG Guidelines, 2015. Collection method: clinical testing. Allele origin: germline. Affected: no.

Labcorp Genetics (formerly Invitae), Labcorp
Classification: Pathogenic. Last evaluated: 2023-04-14. Review status: criteria provided, single submitter. Criteria: Invitae Variant Classification Sherloc (09022015). Collection method: clinical testing. Allele origin: germline.
Comment: For these reasons, this variant has been classified as Pathogenic. ClinVar contains an entry for this variant (Variation ID: 866669). This variant has not been reported in the literature in individuals affected with USH2A-related conditions. This variant is not present in population databases (gnomAD no frequency). This sequence change creates a premature translational stop signal (p.Gln3231*) in the USH2A gene. It is expected to result in an absent or disrupted protein product. Loss-of-function variants in USH2A are known to be pathogenic (PMID: 10729113, 10909849, 20507924, 25649381).

Blueprint Genetics
Classification: Likely pathogenic for USH2A-related disorders. Last evaluated: 2020-02-24. Review status: criteria provided, single submitter. Criteria: ACMG Guidelines, 2015. Collection method: clinical testing. Allele origin: germline. Affected: yes. Observed: 1 variant allele.

Literature cited by the submitters: PubMed 10729113 (cited by Labcorp Genetics (formerly Invitae), Labcorp); PubMed 10909849 (cited by Labcorp Genetics (formerly Invitae), Labcorp); PubMed 20507924 (cited by Labcorp Genetics (formerly Invitae), Labcorp); PubMed 25649381 (cited by Labcorp Genetics (formerly Invitae), Labcorp).